The following is an entry in ClinVar:

NC_000011.10:g.47347633G>A

Gene: MYBPC3 (myosin binding protein C3; minus strand). Cytogenetic location: 11p11.2.
Variant type: single nucleotide variant.
Genome position: GRCh38 VCF-style: chr11-47347633-G-A. GRCh37 (hg19) VCF-style: chr11-47369184-G-A.
Other names: c.851+18C>T (LRG_386t1, NM_000256.3).
Identifiers: ClinVar variation 378191 (VCV000378191.8), dbSNP rs377287239, ClinGen allele CA16606330.
Genomic context (GRCh38, chr11:47,347,633, plus strand): 5'-TAGCCAGATTGGGCTCCCACCCGTCTCAGACCCCTGGGGGTCTGCGGATGGTGCAGGTAG[G>A]GCCTGGGGCAGGGGTACCTGATCCGCCGACCACCTCCAGCCAGGCTCCTGTGGGGGTTAG-3'

ClinVar aggregate classification (germline): Likely benign. Review status: criteria provided, multiple submitters, no conflicts (2 of 4 stars). 5 submissions from 5 submitters: Likely benign (5). Last evaluated 2026-01-14.

Conditions:
Hypertrophic cardiomyopathy. Also called: HYPERTROPHIC MYOCARDIOPATHY. Identifiers: Orphanet 217569, MedGen C0007194, MeSH D002312, MONDO:0005045, HP:0001639.

Allele frequency attached by ClinVar (database versions not stated): gnomAD exomes 0.00002 and 0.00004; gnomAD 0.00007 and 0.00009; ESP Exome Variant Server 0.00008; TOPMed 0.00008.
gnomAD v4.1: 65 of 1,572,440 alleles (0.0041%); highest among the groups gnomAD compares: Non-Finnish European, 0.0051%; no homozygotes.

Submissions (5):

Labcorp Genetics (formerly Invitae), Labcorp
Classification: Likely benign for Hypertrophic cardiomyopathy. Last evaluated: 2026-01-14. Review status: criteria provided, single submitter. Criteria: Invitae Variant Classification Sherloc (09022015). Collection method: clinical testing. Allele origin: germline.

Women's Health and Genetics/Laboratory Corporation of America, LabCorp
Classification: Likely benign. Last evaluated: 2025-03-22. Review status: criteria provided, single submitter. Criteria: LabCorp Variant Classification Summary - May 2015. Collection method: clinical testing. Allele origin: germline.

Blueprint Genetics
Classification: Likely benign. Last evaluated: 2024-09-23. Review status: criteria provided, single submitter. Criteria: ACMG Guidelines, 2015. Collection method: clinical testing. Allele origin: germline.

ARUP Laboratories, Molecular Genetics and Genomics, ARUP Laboratories
Classification: Likely benign. Last evaluated: 2023-11-03. Review status: criteria provided, single submitter. Criteria: ARUP Molecular Germline Variant Investigation Process 2024. Collection method: clinical testing. Allele origin: germline.

GeneDx
Classification: Likely benign. Last evaluated: 2017-11-15. Review status: criteria provided, single submitter. Criteria: GeneDx Variant Classification (06012015). Collection method: clinical testing. Allele origin: germline. Affected: yes.
Comment: This variant is considered likely benign or benign based on one or more of the following criteria: it is a conservative change, it occurs at a poorly conserved position in the protein, it is predicted to be benign by multiple in silico algorithms, and/or has population frequency not consistent with disease.